The following is an entry in ClinVar:

NM_001312909.2(FAM111A):c.690A>T (p.Arg230Ser)

Gene: FAM111A (FAM111 trypsin like peptidase A; plus strand). Cytogenetic location: 11q12.1.
Variant type: single nucleotide variant.
Coding change: c.690A>T on transcript NM_001312909.2 (MANE Select); coding-DNA position 690, A replaced by T.
Protein change: p.Arg230Ser; replaces arginine 230 with serine.
Molecular consequence: missense variant.
Genome position (GRCh38, 1-based): chr11:59,152,358, A>T. VCF-style: chr11-59152358-A-T. GRCh37 (hg19) VCF-style: chr11-58919831-A-T.
Other names: c.690A>T, p.Arg230Ser (NM_001142519.3, NM_001142520.3, NM_001142521.3 and 29 more transcripts); c.690A>T (NM_001142520.1); short protein forms R230S.
Identifiers: ClinVar variation 2073128 (VCV002073128.9), dbSNP rs140306279, ClinGen allele CA6016625.

ClinVar aggregate classification (germline): Conflicting classifications of pathogenicity. Review status: criteria provided, conflicting classifications (1 of 4 stars). 3 submissions from 3 submitters: Uncertain significance (1); Likely benign (2). Last evaluated 2026-03-01.

Conditions:
Inborn genetic diseases. Identifiers: MedGen C0950123, MeSH D030342.

Allele frequency attached by ClinVar (database versions not stated): gnomAD 0.00004; ExAC 0.00005; gnomAD exomes 0.00005; TOPMed 0.00006; 1000 Genomes Project 30x 0.00016; 1000 Genomes Project 0.00020; ESP Exome Variant Server 0.00023.
gnomAD v4.1: 77 of 1,614,180 alleles (0.0048%); highest among the groups gnomAD compares: Middle Eastern, 0.016%; no homozygotes.

Submissions (3):

CeGaT Center for Human Genetics Tuebingen
Classification: Likely benign. Last evaluated: 2026-03-01. Review status: criteria provided, single submitter. Criteria: CeGaT Center For Human Genetics Tuebingen Variant Classification Criteria Version 2. Collection method: clinical testing. Allele origin: germline. Affected: yes. Observed: 1 variant allele.
Comment: FAM111A: BP4

Labcorp Genetics (formerly Invitae), Labcorp
Classification: Uncertain significance. Last evaluated: 2025-09-02. Review status: criteria provided, single submitter. Criteria: Invitae Variant Classification Sherloc (09022015). Collection method: clinical testing. Allele origin: germline.
Comment: This sequence change replaces arginine, which is basic and polar, with serine, which is neutral and polar, at codon 230 of the FAM111A protein (p.Arg230Ser). This variant is present in population databases (rs140306279, gnomAD 0.007%). This variant has not been reported in the literature in individuals affected with FAM111A-related conditions. ClinVar contains an entry for this variant (Variation ID: 2073128). Invitae Evidence Modeling of protein sequence and biophysical properties (such as structural, functional, and spatial information, amino acid conservation, physicochemical variation, residue mobility, and thermodynamic stability) indicates that this missense variant is expected to disrupt FAM111A protein function with a positive predictive value of 80%. In summary, the available evidence is currently insufficient to determine the role of this variant in disease. Therefore, it has been classified as a Variant of Uncertain Significance.

Ambry Genetics
Classification: Likely benign for Inborn genetic diseases. Last evaluated: 2022-10-04. Review status: criteria provided, single submitter. Criteria: Ambry Variant Classification Scheme 2023. Collection method: clinical testing. Allele origin: germline.